The following is an entry in ClinVar:

ClinVar aggregate classification (germline): Uncertain significance. Review status: criteria provided, multiple submitters, no conflicts (2 of 4 stars). 2 submissions from 2 submitters: Uncertain significance (2). Last evaluated 2025-08-29.

Conditions:
Inborn genetic diseases. Identifiers: MedGen C0950123, MeSH D030342.
Mosaic variegated aneuploidy syndrome 1 (MVA1). Also called: Warburton-Anyane-Yeboa syndrome. Identifiers: Orphanet 1052, MedGen C1850343, MONDO:0009759, OMIM 257300.

gnomAD v4.1: 17 of 1,614,038 alleles (0.0011%); highest among the groups gnomAD compares: Non-Finnish European, 0.0014%; no homozygotes.

Submissions (2):

Ambry Genetics
Classification: Uncertain significance for Inborn genetic diseases. Last evaluated: 2025-08-29. Review status: criteria provided, single submitter. Criteria: Ambry Variant Classification Scheme 2023. Collection method: clinical testing. Allele origin: germline.

Labcorp Genetics (formerly Invitae), Labcorp
Classification: Uncertain significance for Mosaic variegated aneuploidy syndrome 1. Last evaluated: 2025-02-27. Review status: criteria provided, single submitter. Criteria: Invitae Variant Classification Sherloc (09022015). Collection method: clinical testing. Allele origin: germline.
Comment: This sequence change replaces histidine, which is basic and polar, with arginine, which is basic and polar, at codon 968 of the BUB1B protein (p.His968Arg). This variant is present in population databases (rs770667608, gnomAD 0.002%). This variant has not been reported in the literature in individuals affected with BUB1B-related conditions. An algorithm developed to predict the effect of missense changes on protein structure and function (PolyPhen-2) suggests that this variant is likely to be disruptive. In summary, the available evidence is currently insufficient to determine the role of this variant in disease. Therefore, it has been classified as a Variant of Uncertain Significance.

NM_001211.6(BUB1B):c.2903A>G (p.His968Arg)

Genes: BUB1B (BUB1 mitotic checkpoint serine/threonine kinase B; plus strand), BUB1B-PAK6 (BUB1B-PAK6 readthrough; plus strand). Cytogenetic location: 15q15.1.
Variant type: single nucleotide variant.
Coding change: c.2903A>G on transcript NM_001211.6 (MANE Select); coding-DNA position 2903, A replaced by G.
Protein change: p.His968Arg; replaces histidine 968 with arginine.
Molecular consequence: missense variant. On other transcripts: intron variant (2).
Genome position (GRCh38, 1-based): chr15:40,218,508, A>G. VCF-style: chr15-40218508-A-G. GRCh37 (hg19) VCF-style: chr15-40510709-A-G.
Other names: c.-201+841A>G (NM_001128628.3); c.-118+841A>G (NM_001128629.3); short protein forms H968R.
Identifiers: ClinVar variation 4216987 (VCV004216987.2).